The following is an entry in ClinVar:

NM_006912.6(RIT1):c.4G>A (p.Asp2Asn)

Gene: RIT1 (Ras like without CAAX 1; minus strand). Cytogenetic location: 1q22.
Variant type: single nucleotide variant.
Coding change: c.4G>A on transcript NM_006912.6 (MANE Select); coding-DNA position 4, G replaced by A.
Protein change: p.Asp2Asn; replaces aspartic acid 2 with asparagine.
Molecular consequence: missense variant. On other transcripts: intron variant (1).
Genome position (GRCh38, 1-based): chr1:155,910,758, C>T on the plus strand (G>A on the coding strand, the complement: RIT1 is on the minus strand). VCF-style: chr1-155910758-C-T. GRCh37 (hg19) VCF-style: chr1-155880549-C-T.
Other names: c.55G>A, p.Asp19Asn (NM_001256821.2); c.-2-252G>A (NM_001256820.2); short protein forms D2N, D19N.
Identifiers: ClinVar variation 1371840 (VCV001371840.8), dbSNP rs924364497, ClinGen allele CA30950977.

ClinVar aggregate classification (germline): Uncertain significance. Review status: criteria provided, multiple submitters, no conflicts (2 of 4 stars). 2 submissions from 2 submitters: Uncertain significance (2). Last evaluated 2025-05-18.

Conditions:
Noonan syndrome 8 (NS8). Identifiers: Orphanet 648, MedGen C3809233, MONDO:0014143, OMIM 615355.

Allele frequency attached by ClinVar (database versions not stated): TOPMed below 0.00001; gnomAD exomes below 0.00001.
gnomAD v4.1: 1 of 1,614,262 alleles (0.000062%); highest among the groups gnomAD compares: East Asian, 0.0022%; no homozygotes.

Submissions (2):

Dasa
Classification: Uncertain significance. Last evaluated: 2025-05-18. Review status: criteria provided, single submitter. Criteria: DASA Assertion Criteria. Collection method: clinical testing. Allele origin: germline.
Comment: NM_006912.6(RIT1):c.4G>A (p.Asp2Asn) is a missense variant that results in the substitution of aspartic acid with asparagine. This variant is rare in population databases. Computational prediction algorithms are consistent with a benign effect. The currently available literature and clinical evidence are not sufficient to establish a definitive association between this variant and the reported condition. Therefore, this variant is classified as a variant of uncertain significance.

Labcorp Genetics (formerly Invitae), Labcorp
Classification: Uncertain significance for Noonan syndrome 8. Last evaluated: 2025-02-24. Review status: criteria provided, single submitter. Criteria: Invitae Variant Classification Sherloc (09022015). Collection method: clinical testing. Allele origin: germline.
Comment: This sequence change replaces aspartic acid, which is acidic and polar, with asparagine, which is neutral and polar, at codon 2 of the RIT1 protein (p.Asp2Asn). This variant is not present in population databases (gnomAD no frequency). This variant has not been reported in the literature in individuals affected with RIT1-related conditions. ClinVar contains an entry for this variant (Variation ID: 1371840). Invitae Evidence Modeling of protein sequence and biophysical properties (such as structural, functional, and spatial information, amino acid conservation, physicochemical variation, residue mobility, and thermodynamic stability) indicates that this missense variant is not expected to disrupt RIT1 protein function with a negative predictive value of 95%. In summary, the available evidence is currently insufficient to determine the role of this variant in disease. Therefore, it has been classified as a Variant of Uncertain Significance.